The following is an entry in ClinVar:

NM_019032.6(ADAMTSL4):c.2323A>G (p.Thr775Ala)

Gene: ADAMTSL4 (ADAMTS like 4; plus strand). Cytogenetic location: 1q21.2.
Variant type: single nucleotide variant.
Coding change: c.2323A>G on transcript NM_019032.6 (MANE Select); coding-DNA position 2323, A replaced by G.
Protein change: p.Thr775Ala; replaces threonine 775 with alanine.
Molecular consequence: missense variant.
Genome position (GRCh38, 1-based): chr1:150,558,090, A>G. VCF-style: chr1-150558090-A-G. GRCh37 (hg19) VCF-style: chr1-150530566-A-G.
Other names: c.2206A>G, p.Thr736Ala (NM_001288607.2); c.2392A>G, p.Thr798Ala (NM_001288608.2); c.2323A>G, p.Thr775Ala (NM_001378596.1, NM_025008.5); short protein forms T736A, T775A, T798A.
Identifiers: ClinVar variation 2005389 (VCV002005389.4), dbSNP rs2526755809, ClinGen allele CA342314879.
Genomic context (GRCh38, chr1:150,558,090, plus strand): 5'-GGGGGGGGTGGCTCCTCGGTGCCCCCGGAGCGCTGTGGACATCTCCCCCGGCCCAACATC[A>G]CCCAGTCTTGCCAGCTGCGCCTCTGTGGCCATTGGGAAGTTGGCTCTCCTTGGAGCCAGG-3'
Protein context (NP_061905.2, residues 765-785): RCGHLPRPNI[Thr775Ala]QSCQLRLCGH

ClinVar aggregate classification (germline): Uncertain significance (1 of 4 stars; one submission).

Submission:

Labcorp Genetics (formerly Invitae), Labcorp
Classification: Uncertain significance. Last evaluated: 2022-06-19. Review status: criteria provided, single submitter. Criteria: Invitae Variant Classification Sherloc (09022015). Collection method: clinical testing. Allele origin: germline.
Comment: Algorithms developed to predict the effect of missense changes on protein structure and function (SIFT, PolyPhen-2, Align-GVGD) all suggest that this variant is likely to be disruptive. This variant has not been reported in the literature in individuals affected with ADAMTSL4-related conditions. This variant is not present in population databases (gnomAD no frequency). This sequence change replaces threonine, which is neutral and polar, with alanine, which is neutral and non-polar, at codon 775 of the ADAMTSL4 protein (p.Thr775Ala). In summary, the available evidence is currently insufficient to determine the role of this variant in disease. Therefore, it has been classified as a Variant of Uncertain Significance.